The following is an entry in ClinVar:

ClinVar aggregate classification (germline): Pathogenic. Review status: criteria provided, multiple submitters, no conflicts (2 of 4 stars). 6 submissions from 6 submitters: Pathogenic (5). 1 of the submissions does not count toward it. Last evaluated 2025-07-07.

Conditions:
ARCN1-related disorder. Also called: ARCN1-related condition.
Short stature, rhizomelic, with microcephaly, micrognathia, and developmental delay (SSMG). Also called: SHORT STATURE-MICROGNATHIA SYNDROME. Identifiers: Orphanet 659702, MedGen C4310686, MONDO:0014948, OMIM 617164.

Submissions (6):

PreventionGenetics, part of Exact Sciences
Classification: Pathogenic for ARCN1-related condition. Last evaluated: 2025-07-07. Review status: criteria provided, single submitter. Criteria: ACMG Guidelines, 2015. Collection method: clinical testing. Allele origin: germline.
Comment: The ARCN1 c.934C>T variant is predicted to result in premature protein termination (p.Arg312*). This variant has been reported as a recurrent de novo variant in three unrelated individuals with ARCN1-related syndrome (Ritter et al. 2022. PubMed ID: 35300924). This variant has not been reported in a large population database (gnomAD), indicating this variant is rare. Nonsense variants in ARCN1 are expected to be pathogenic. This variant is interpreted as pathogenic.

New York Genome Center
Classification: Pathogenic for Short stature, rhizomelic, with microcephaly, micrognathia, and developmental delay. Last evaluated: 2023-09-07. Review status: criteria provided, single submitter. Criteria: NYGC Assertion Criteria 2020. Collection method: clinical testing. Allele origin: inherited. Affected: yes. Observed: 1 variant allele, 1 heterozygote.
Comment: The c.934C>T variant identified in ARCN1 has previously been reported to have arisen de novo in three unrelated individuals with ARCN1-relatedsyndrome [PMID: 35300924] and it has been classified as Pathogenic by multiple submitters in ClinVar [ClinVar ID: 1033438]. The c.934C>T variant is absent from population databases (gnomAD v2.1.1 and v3.1.2, TOPMed Freeze 8, All of Us), suggesting it is not a common benign variant in the populations represented in those databases. The c.934C>T variant is located in exon 6 of this 10-exon gene, predicted to incorporate a premature termination codon (p.(Arg312Ter)), and is expected to result in loss-of-function either through protein truncation or nonsense-mediated mRNA decay. Based on available evidence, this heterozygous c.934C>T p.(Arg312Ter) variant identified in ARCN1 is classified as Pathogenic.

Victorian Clinical Genetics Services, Murdoch Childrens Research Institute
Classification: Pathogenic for Short stature, rhizomelic, with microcephaly, micrognathia, and developmental delay. Last evaluated: 2023-07-17. Review status: criteria provided, single submitter. Criteria: ACMG Guidelines, 2015. Collection method: clinical testing. Allele origin: germline. Inheritance: Autosomal dominant inheritance. Affected: yes.
Comment: Based on the classification scheme VCGS_Germline_v1.3.4, this variant is classified as Pathogenic. Following criteria are met: 0102 - Loss of function is a known mechanism of disease in this gene and is associated with short stature, rhizomelic, with microcephaly, micrognathia, and developmental delay (MIM#617164). (I) 0107 - This gene is associated with autosomal dominant disease. (I) 0201 - Variant is predicted to cause nonsense-mediated decay (NMD) and loss of protein (premature termination codon is located at least 54 nucleotides upstream of the final exon-exon junction). (SP) 0251 - This variant is heterozygous. (I) 0301 - Variant is absent from gnomAD (both v2 and v3). (SP) 0701 - Other NMD predicted variants comparable to the one identified in this case have very strong previous evidence for pathogenicity. These variants have been reported multiple times as pathogenic (ClinVar, DECIPHER). (SP) 0801 - This variant has strong previous evidence of pathogenicity in unrelated individuals. This variant has been reported twice as pathogenic, and observed in at least four unrelated de novo individuals with short stature, developmental delay, liver anomalies and micrognathia (PMID: 35300924, ClinVar). (SP) 0905 - No published segregation evidence has been identified for this variant. (I) 1007 - No published functional evidence has been identified for this variant. (SP) Legend: (SP) - Supporting pathogenic, (I) - Information, (SB) - Supporting benign

Mendelics
Classification: Pathogenic for Short stature, rhizomelic, with microcephaly, micrognathia, and developmental delay. Last evaluated: 2022-05-04. Review status: criteria provided, single submitter. Criteria: Mendelics Assertion Criteria 2019. Collection method: clinical testing. Allele origin: germline.

Baylor Genetics
Classification: Pathogenic for Short stature, rhizomelic, with microcephaly, micrognathia, and developmental delay. Last evaluated: 2018-10-15. Review status: criteria provided, single submitter. Criteria: ACMG Guidelines, 2015. Collection method: clinical testing. Allele origin: de novo. Affected: yes.
Comment: This variant was determined to be pathogenic according to ACMG Guidelines, 2015 [PMID:25741868].

OMIM
Classification: Pathogenic for SHORT STATURE-MICROGNATHIA SYNDROME. Last evaluated: 2022-09-06. Review status: no assertion criteria provided. Collection method: literature only. Allele origin: germline. Not counted in ClinVar's aggregate classification.

Literature cited by the submitters: PubMed 35300924 (cited by 3 submitters).

NM_001655.5(ARCN1):c.934C>T (p.Arg312Ter)

Gene: ARCN1 (archain 1 coat protein complex I subunit delta; plus strand). Cytogenetic location: 11q23.3.
Variant type: single nucleotide variant.
Coding change: c.934C>T on transcript NM_001655.5 (MANE Select); coding-DNA position 934, C replaced by T.
Protein change: p.Arg312Ter; replaces arginine 312 with a stop codon.
Molecular consequence: nonsense.
Genome position (GRCh38, 1-based): chr11:118,590,456, C>T. VCF-style: chr11-118590456-C-T. GRCh37 (hg19) VCF-style: chr11-118461171-C-T.
Other names: c.670C>T, p.Arg224Ter (NM_001142281.2); short protein forms R312*, R224*.
Identifiers: ClinVar variation 1033438 (VCV001033438.6), dbSNP rs1565363889, ClinGen allele CA382811350.